The following is an entry in ClinVar:

ClinVar aggregate classification (germline): Uncertain significance (1 of 4 stars; one submission).

gnomAD v4.1: 1 of 1,614,142 alleles (0.000062%); highest among the groups gnomAD compares: Non-Finnish European, 0.000085%; no homozygotes.

Submission:

Labcorp Genetics (formerly Invitae), Labcorp
Classification: Uncertain significance. Last evaluated: 2022-08-16. Review status: criteria provided, single submitter. Criteria: Invitae Variant Classification Sherloc (09022015). Collection method: clinical testing. Allele origin: germline.
Comment: Algorithms developed to predict the effect of missense changes on protein structure and function output the following: SIFT: "Tolerated"; PolyPhen-2: "Benign"; Align-GVGD: "Class C0". The glycine amino acid residue is found in multiple mammalian species, which suggests that this missense change does not adversely affect protein function. This sequence change replaces glutamic acid, which is acidic and polar, with glycine, which is neutral and non-polar, at codon 213 of the PCARE protein (p.Glu213Gly). This variant is not present in population databases (gnomAD no frequency). This variant has not been reported in the literature in individuals affected with PCARE-related conditions. In summary, the available evidence is currently insufficient to determine the role of this variant in disease. Therefore, it has been classified as a Variant of Uncertain Significance.

NM_001029883.3(PCARE):c.638A>G (p.Glu213Gly)

Gene: PCARE (photoreceptor cilium actin regulator; minus strand). Cytogenetic location: 2p23.2.
Variant type: single nucleotide variant.
Coding change: c.638A>G on transcript NM_001029883.3 (MANE Select); coding-DNA position 638, A replaced by G.
Protein change: p.Glu213Gly; replaces glutamic acid 213 with glycine.
Molecular consequence: missense variant.
Genome position (GRCh38, 1-based): chr2:29,073,624, T>C on the plus strand (A>G on the coding strand, the complement: PCARE is on the minus strand). VCF-style: chr2-29073624-T-C. GRCh37 (hg19) VCF-style: chr2-29296490-T-C.
Other names: short protein forms E213G.
Identifiers: ClinVar variation 2084474 (VCV002084474.4), dbSNP rs2465279450, ClinGen allele CA346481864.